The following is an entry in ClinVar:

NM_002880.4(RAF1):c.1262C>A (p.Thr421Asn)

Gene: RAF1 (Raf-1 proto-oncogene, serine/threonine kinase; minus strand). Cytogenetic location: 3p25.2.
Variant type: single nucleotide variant.
Coding change: c.1262C>A on transcript NM_002880.4 (MANE Select); coding-DNA position 1262, C replaced by A.
Protein change: p.Thr421Asn; replaces threonine 421 with asparagine.
Molecular consequence: missense variant. On other transcripts: non-coding transcript variant (3).
Genome position (GRCh38, 1-based): chr3:12,590,906, G>T on the plus strand (C>A on the coding strand, the complement: RAF1 is on the minus strand). VCF-style: chr3-12590906-G-T. GRCh37 (hg19) VCF-style: chr3-12632405-G-T.
Other names: c.1322C>A, p.Thr441Asn (NM_001354689.3); c.1262C>A, p.Thr421Asn (NM_001354690.3); c.1019C>A, p.Thr340Asn (NM_001354691.3, NM_001354692.3); c.1163C>A, p.Thr388Asn (NM_001354693.3); c.1079C>A, p.Thr360Asn (NM_001354694.3); c.920C>A, p.Thr307Asn (NM_001354695.3); short protein forms T340N, T388N, T307N, T360N, T421N, T441N.
Identifiers: ClinVar variation 3635598 (VCV003635598.2).
Genomic context (GRCh38, chr3:12,590,906, plus strand): 5'-TGAAACTTGGTCTCCTGGACATGCAGGTGTTTGTAGAGGCTGCTGCCCTCGCACCACTGG[G>T]TCACAATTGCCAGGTTGTCCTTTGTCATGTACCCCATGAAAAGCAGAATGTTCACATGCC-3'
Protein context (NP_002871.1, residues 411-431): YMTKDNLAIV[Thr421Asn]QWCEGSSLYK

ClinVar aggregate classification (germline): Uncertain significance (1 of 4 stars; one submission).

Conditions:
RASopathy. Also called: Noonan spectrum disorder; rasopathies. Identifiers: Orphanet 536391, MedGen C5555857, MONDO:0021060.

Submission:

Labcorp Genetics (formerly Invitae), Labcorp
Classification: Uncertain significance for RASopathy. Last evaluated: 2024-08-14. Review status: criteria provided, single submitter. Criteria: Invitae Variant Classification Sherloc (09022015). Collection method: clinical testing. Allele origin: germline.
Comment: This sequence change replaces threonine, which is neutral and polar, with asparagine, which is neutral and polar, at codon 421 of the RAF1 protein (p.Thr421Asn). This variant is not present in population databases (gnomAD no frequency). This variant has not been reported in the literature in individuals affected with RAF1-related conditions. Invitae Evidence Modeling of protein sequence and biophysical properties (such as structural, functional, and spatial information, amino acid conservation, physicochemical variation, residue mobility, and thermodynamic stability) indicates that this missense variant is expected to disrupt RAF1 protein function with a positive predictive value of 95%. In summary, the available evidence is currently insufficient to determine the role of this variant in disease. Therefore, it has been classified as a Variant of Uncertain Significance.